The following is an entry in ClinVar:

ClinVar aggregate classification (germline): Uncertain significance (1 of 4 stars; one submission).

gnomAD v4.1: 36 of 1,613,964 alleles (0.0022%); highest among the groups gnomAD compares: Non-Finnish European, 0.0031%; no homozygotes.

Submission:

GeneDx
Classification: Uncertain significance. Last evaluated: 2026-09-15. Review status: criteria provided, single submitter. Criteria: GeneDx Variant Classification Process June 2021. Collection method: clinical testing. Allele origin: germline.
Comment: Identified in a patient with nonsyndromic hearing loss in published literature; this patient also had candidate variants in other genes related to hearing loss (PMID: 23804846); In silico analysis supports that this missense variant has a deleterious effect on protein structure/function; This variant is associated with the following publications: (PMID: 23804846)

NM_017433.5(MYO3A):c.596G>A (p.Cys199Tyr)

Gene: MYO3A (myosin IIIA; plus strand). Cytogenetic location: 10p12.1.
Variant type: single nucleotide variant.
Coding change: c.596G>A on transcript NM_017433.5 (MANE Select); coding-DNA position 596, G replaced by A.
Protein change: p.Cys199Tyr; replaces cysteine 199 with tyrosine.
Molecular consequence: missense variant.
Genome position (GRCh38, 1-based): chr10:26,021,513, G>A. VCF-style: chr10-26021513-G-A. GRCh37 (hg19) VCF-style: chr10-26310442-G-A.
Other names: c.596G>A, p.Cys199Tyr (NM_001368265.1); short protein forms C199Y.
Identifiers: ClinVar variation 3767560 (VCV003767560.3).